The following is an entry in ClinVar:

NM_198282.4(STING1):c.659G>T (p.Arg220Leu)

Gene: STING1 (stimulator of interferon response cGAMP interactor 1; minus strand). Cytogenetic location: 5q31.2.
Variant type: single nucleotide variant.
Coding change: c.659G>T on transcript NM_198282.4 (MANE Select); coding-DNA position 659, G replaced by T.
Protein change: p.Arg220Leu; replaces arginine 220 with leucine.
Molecular consequence: missense variant.
Genome position (GRCh38, 1-based): chr5:139,478,370, C>A on the plus strand (G>T on the coding strand, the complement: STING1 is on the minus strand). VCF-style: chr5-139478370-C-A. GRCh37 (hg19) VCF-style: chr5-138857955-C-A.
Other names: c.659G>T, p.Arg220Leu (NM_001301738.2); c.302G>T, p.Arg101Leu (NM_001367258.1); short protein forms R101L, R220L.
Identifiers: ClinVar variation 3236415 (VCV003236415.2), dbSNP rs144010323, ClinGen allele CA3435352.

ClinVar aggregate classification (germline): Uncertain significance (1 of 4 stars; one submission).

Conditions:
STING-associated vasculopathy with onset in infancy. Also called: Sting-associated vasculopathy, infantile-onset. Identifiers: Orphanet 425120, MedGen C4014722, MONDO:0014405, OMIM 615934.

Submission:

Neuberg Centre For Genomic Medicine, NCGM
Classification: Uncertain significance for STING-associated vasculopathy with onset in infancy. Review status: criteria provided, single submitter. Criteria: ACMG Guidelines, 2015. Collection method: clinical testing. Allele origin: germline. Inheritance: Autosomal dominant inheritance. Affected: yes.
Comment: The missense c.659G>Tp.Arg220Leu variant in STING1 gene has not been reported previously as a pathogenic variant nor as a benign variant, to our knowledge. The variant has been reported with allele frequency of 0.0004% in gnomAD Exomes and is novel not in any individuals in 1000 Genomes database. This variant has not been reported to the ClinVar database. The amino acid change p.Arg220Leu in STING1 is predicted as conserved by GERP++ and PhyloP across 100 vertebrates. The amino acid Arg at position 220 is changed to a Leu changing protein sequence and it might alter its composition and physico-chemical properties. For these reasons, this variant has been classified as Variant of Uncertain Significance VUS.